The following is an entry in ClinVar:

NM_001105206.3(LAMA4):c.730G>C (p.Gly244Arg)

Gene: LAMA4 (laminin subunit alpha 4; minus strand). Cytogenetic location: 6q21.
Variant type: single nucleotide variant.
Coding change: c.730G>C on transcript NM_001105206.3 (MANE Select); coding-DNA position 730, G replaced by C.
Protein change: p.Gly244Arg; replaces glycine 244 with arginine.
Molecular consequence: missense variant.
Genome position (GRCh38, 1-based): chr6:112,189,194, C>G on the plus strand (G>C on the coding strand, the complement: LAMA4 is on the minus strand). VCF-style: chr6-112189194-C-G. GRCh37 (hg19) VCF-style: chr6-112510396-C-G.
Other names: c.730G>C (LRG_433t2); c.730G>C, p.Gly244Arg (NM_001105207.3, NM_002290.5); short protein forms G244R.
Identifiers: ClinVar variation 239115 (VCV000239115.19), dbSNP rs147078770, ClinGen allele CA3966058.
Genomic context (GRCh38, chr6:112,189,194, plus strand): 5'-TAGGGGGTTCAAAACCTTCTTCCAAGCATTCTCCGGTTACACTGTCACATGGGCCTCCCC[C>G]GCAGTTGCACACTGTGGGAAACAAAAACAAGAGACGAGAAATGCACTTCTTAATGCTTAA-3'
Protein context (NP_001098676.2, residues 234-254): IAKNCAVCNC[Gly244Arg]GGPCDSVTGE

ClinVar aggregate classification (germline): Likely benign. Review status: criteria provided, multiple submitters, no conflicts (2 of 4 stars). 5 submissions from 5 submitters: Likely benign (4). 1 of the submissions does not count toward it. Last evaluated 2026-02-01.

Conditions:
LAMA4-related disorder. Also called: LAMA4-related condition.
Cardiovascular phenotype. Identifiers: MedGen CN230736.
Dilated cardiomyopathy 1JJ (CMD1JJ). Identifiers: Orphanet 154, MedGen C3808935, MONDO:0014095, OMIM 615235.

Allele frequency attached by ClinVar (database versions not stated): ESP Exome Variant Server 0.00054; 1000 Genomes Project 0.00060; 1000 Genomes Project 30x 0.00062; TOPMed 0.00072.

Submissions (5):

Labcorp Genetics (formerly Invitae), Labcorp
Classification: Likely benign for Dilated cardiomyopathy 1JJ. Last evaluated: 2026-02-01. Review status: criteria provided, single submitter. Criteria: Invitae Variant Classification Sherloc (09022015). Collection method: clinical testing. Allele origin: germline.

Ambry Genetics
Classification: Likely benign for Cardiovascular phenotype. Last evaluated: 2024-08-15. Review status: criteria provided, single submitter. Criteria: Ambry Variant Classification Scheme 2023. Collection method: clinical testing. Allele origin: germline.

Fulgent Genetics
Classification: Likely benign for Dilated cardiomyopathy 1JJ. Last evaluated: 2021-10-08. Review status: criteria provided, single submitter. Criteria: ACMG Guidelines, 2015. Collection method: clinical testing. Allele origin: unknown.

GeneDx
Classification: Likely benign. Last evaluated: 2020-09-28. Review status: criteria provided, single submitter. Criteria: GeneDx Variant Classification Process June 2021. Collection method: clinical testing. Allele origin: germline. Affected: yes.

PreventionGenetics, part of Exact Sciences
Classification: Likely benign for LAMA4-related condition. Last evaluated: 2022-09-20. Review status: no assertion criteria provided. Collection method: clinical testing. Allele origin: germline. Not counted in ClinVar's aggregate classification.
Comment: This variant is classified as likely benign based on ACMG/AMP sequence variant interpretation guidelines (Richards et al. 2015 PMID: 25741868, with internal and published modifications).